The following is an entry in ClinVar:

NM_001792.5(CDH2):c.1696G>T (p.Val566Leu)

Gene: CDH2 (cadherin 2; minus strand). Cytogenetic location: 18q12.1.
Variant type: single nucleotide variant.
Coding change: c.1696G>T on transcript NM_001792.5 (MANE Select); coding-DNA position 1696, G replaced by T.
Protein change: p.Val566Leu; replaces valine 566 with leucine.
Molecular consequence: missense variant.
Genome position (GRCh38, 1-based): chr18:27,988,569, C>A on the plus strand (G>T on the coding strand, the complement: CDH2 is on the minus strand). VCF-style: chr18-27988569-C-A. GRCh37 (hg19) VCF-style: chr18-25568533-C-A.
Other names: c.1603G>T, p.Val535Leu (NM_001308176.2); short protein forms V535L, V566L.
Identifiers: ClinVar variation 1464325 (VCV001464325.8), dbSNP rs752473363, ClinGen allele CA8923326.
Genomic context (GRCh38, chr18:27,988,569, plus strand): 5'-AAACAGCGAACATACCATTGTCAGAAGCAAGGAAAGTAGCATTATATATATTGTTTTTCA[C>A]ATTTGGTGATTCTCGGTCCAAAACAGCAATTGTAGTTATTTGTCCATTCACAGGATCTAT-3'
Protein context (NP_001783.2, residues 556-576): IAVLDRESPN[Val566Leu]KNNIYNATFL

ClinVar aggregate classification (germline): Uncertain significance (1 of 4 stars; one submission).

Allele frequency attached by ClinVar (database versions not stated): gnomAD 0.00001; ExAC 0.00002.
gnomAD v4.1: 2 of 1,612,974 alleles (0.00012%); highest among the groups gnomAD compares: Admixed American, 0.0033%; no homozygotes.

Submission:

Labcorp Genetics (formerly Invitae), Labcorp
Classification: Uncertain significance. Last evaluated: 2021-05-31. Review status: criteria provided, single submitter. Criteria: Invitae Variant Classification Sherloc (09022015). Collection method: clinical testing. Allele origin: germline.
Comment: In summary, the available evidence is currently insufficient to determine the role of this variant in disease. Therefore, it has been classified as a Variant of Uncertain Significance. Algorithms developed to predict the effect of missense changes on protein structure and function are either unavailable or do not agree on the potential impact of this missense change (SIFT: "Deleterious"; PolyPhen-2: "Benign"; Align-GVGD: "Class C25"). This variant has not been reported in the literature in individuals with CDH2-related conditions. This variant is present in population databases (rs752473363, ExAC 0.02%). This sequence change replaces valine with leucine at codon 566 of the CDH2 protein (p.Val566Leu). The valine residue is highly conserved and there is a small physicochemical difference between valine and leucine.